The following is an entry in ClinVar:

NM_001032386.2(SUOX):c.1318T>C (p.Ser440Pro)

Gene: SUOX (sulfite oxidase; plus strand). Cytogenetic location: 12q13.2.
Variant type: single nucleotide variant.
Coding change: c.1318T>C on transcript NM_001032386.2 (MANE Select); coding-DNA position 1318, T replaced by C.
Protein change: p.Ser440Pro; replaces serine 440 with proline.
Molecular consequence: missense variant.
Genome position (GRCh38, 1-based): chr12:56,004,707, T>C. VCF-style: chr12-56004707-T-C. GRCh37 (hg19) VCF-style: chr12-56398491-T-C.
Other names: c.1318T>C, p.Ser440Pro (NM_000456.3, NM_001032387.2); short protein forms S440P.
Identifiers: ClinVar variation 1438474 (VCV001438474.9), dbSNP rs749507272, ClinGen allele CA6621153.

ClinVar aggregate classification (germline): Uncertain significance (1 of 4 stars; one submission).

Conditions:
Sulfite oxidase deficiency. Also called: Isolated sulfite oxidase deficiency. Identifiers: Orphanet 833, Orphanet 99731, MedGen C0268624, MONDO:0010089, OMIM 272300, HP:0003643.

Allele frequency attached by ClinVar (database versions not stated): gnomAD 0.00001; gnomAD exomes 0.00001; ExAC 0.00002.
gnomAD v4.1: 4 of 1,613,938 alleles (0.00025%); highest among the groups gnomAD compares: Admixed American, 0.0067%; no homozygotes.

Submission:

Labcorp Genetics (formerly Invitae), Labcorp
Classification: Uncertain significance for Sulfite oxidase deficiency. Last evaluated: 2022-10-13. Review status: criteria provided, single submitter. Criteria: Invitae Variant Classification Sherloc (09022015). Collection method: clinical testing. Allele origin: germline.
Comment: This variant is present in population databases (rs749507272, gnomAD 0.006%). This sequence change replaces serine, which is neutral and polar, with proline, which is neutral and non-polar, at codon 440 of the SUOX protein (p.Ser440Pro). This variant has not been reported in the literature in individuals affected with SUOX-related conditions. In summary, the available evidence is currently insufficient to determine the role of this variant in disease. Therefore, it has been classified as a Variant of Uncertain Significance. Advanced modeling of protein sequence and biophysical properties (such as structural, functional, and spatial information, amino acid conservation, physicochemical variation, residue mobility, and thermodynamic stability) performed at Invitae indicates that this missense variant is not expected to disrupt SUOX protein function. ClinVar contains an entry for this variant (Variation ID: 1438474).